The following is an entry in ClinVar:

NM_003268.6(TLR5):c.1930A>T (p.Ile644Phe)

Gene: TLR5 (toll like receptor 5; minus strand). Cytogenetic location: 1q41.
Variant type: single nucleotide variant.
Coding change: c.1930A>T on transcript NM_003268.6 (MANE Select); coding-DNA position 1930, A replaced by T.
Protein change: p.Ile644Phe; replaces isoleucine 644 with phenylalanine.
Molecular consequence: missense variant.
Genome position (GRCh38, 1-based): chr1:223,111,102, T>A on the plus strand (A>T on the coding strand, the complement: TLR5 is on the minus strand). VCF-style: chr1-223111102-T-A. GRCh37 (hg19) VCF-style: chr1-223284444-T-A.
Other names: NC_000001.10:g.223284444T>A; short protein forms I644F.
Identifiers: ClinVar variation 252618 (VCV000252618.28), dbSNP rs5744175, ClinGen allele CA1409745.

ClinVar aggregate classification (germline): Benign/Likely benign. Review status: criteria provided, multiple submitters, no conflicts (2 of 4 stars). 3 submissions from 3 submitters: Benign (2); Likely benign (1). Last evaluated 2023-03-01.

Allele frequency attached by ClinVar (database versions not stated): 1000 Genomes Project 30x 0.00375; 1000 Genomes Project 0.00399; ExAC 0.00667; gnomAD exomes 0.00702; gnomAD 0.00769 and 0.00776; TOPMed 0.00795; ESP Exome Variant Server 0.00946.
gnomAD v4.1: 14,087 of 1,614,104 alleles (0.87%); highest among the groups gnomAD compares: Middle Eastern, 1.4%; 81 homozygotes.

Submissions (13):

CeGaT Center for Human Genetics Tuebingen
Classification: Likely benign. Last evaluated: 2023-03-01. Review status: criteria provided, single submitter. Criteria: CeGaT Center For Human Genetics Tuebingen Variant Classification Criteria Version 2. Collection method: clinical testing. Allele origin: germline. Affected: yes. Observed: 1 variant allele.
Comment: TLR5: BP4, BS2

Genomic Diagnostic Laboratory, Division of Genomic Diagnostics, Children's Hospital of Philadelphia
Classification: Benign. Last evaluated: 2015-07-30. Review status: criteria provided, single submitter. Criteria: DGD Variant Analysis Guidelines. Collection method: clinical testing. Allele origin: unknown.

Breakthrough Genomics
Classification: Benign. Review status: criteria provided, single submitter. Criteria: ACMG Guidelines, 2015. Collection method: not provided. Allele origin: germline. Inheritance: Autosomal dominant inheritance. Affected: yes.

Dr. Peter K. Rogan Lab, Western University
No classification provided (evidence only). Condition: Clear cell carcinoma of kidney. Review status: no classification provided. Collection method: in vitro. Allele origin: not applicable. Functional consequence: retained intron. Not counted in ClinVar's aggregate classification.

Dr. Peter K. Rogan Lab, Western University
No classification provided (evidence only). Condition: Clear cell carcinoma of kidney. Review status: no classification provided. Collection method: in vitro. Allele origin: not applicable. Functional consequence: retained intron. Not counted in ClinVar's aggregate classification.

Dr. Peter K. Rogan Lab, Western University
No classification provided (evidence only). Condition: Lung cancer. Review status: no classification provided. Collection method: in vitro. Allele origin: not applicable. Functional consequence: retained intron. Not counted in ClinVar's aggregate classification.

Dr. Peter K. Rogan Lab, Western University
No classification provided (evidence only). Condition: Acute myeloid leukemia. Review status: no classification provided. Collection method: in vitro. Allele origin: not applicable. Functional consequence: retained intron. Not counted in ClinVar's aggregate classification.

Dr. Peter K. Rogan Lab, Western University
No classification provided (evidence only). Condition: Colon adenocarcinoma. Review status: no classification provided. Collection method: in vitro. Allele origin: not applicable. Functional consequence: retained intron. Not counted in ClinVar's aggregate classification.

Dr. Peter K. Rogan Lab, Western University
No classification provided (evidence only). Condition: Thyroid cancer, nonmedullary, 1. Review status: no classification provided. Collection method: in vitro. Allele origin: not applicable. Functional consequence: retained intron. Not counted in ClinVar's aggregate classification.

Dr. Peter K. Rogan Lab, Western University
No classification provided (evidence only). Condition: Cervical cancer. Review status: no classification provided. Collection method: in vitro. Allele origin: not applicable. Functional consequence: retained intron. Not counted in ClinVar's aggregate classification.

Dr. Peter K. Rogan Lab, Western University
No classification provided (evidence only). Condition: Sarcoma. Review status: no classification provided. Collection method: in vitro. Allele origin: not applicable. Functional consequence: retained intron. Not counted in ClinVar's aggregate classification.

Dr. Peter K. Rogan Lab, Western University
No classification provided (evidence only). Condition: Thymoma. Review status: no classification provided. Collection method: in vitro. Allele origin: not applicable. Functional consequence: retained intron. Not counted in ClinVar's aggregate classification.

Dr. Peter K. Rogan Lab, Western University
No classification provided (evidence only). Condition: Gastric cancer. Review status: no classification provided. Collection method: in vitro. Allele origin: not applicable. Functional consequence: retained intron. Not counted in ClinVar's aggregate classification.